The following is an entry in ClinVar:

NM_001367624.2(ZNF469):c.8740G>A (p.Asp2914Asn)

Gene: ZNF469 (zinc finger protein 469; plus strand). Cytogenetic location: 16q24.2.
Variant type: single nucleotide variant.
Coding change: c.8740G>A on transcript NM_001367624.2 (MANE Select); coding-DNA position 8740, G replaced by A.
Protein change: p.Asp2914Asn; replaces aspartic acid 2914 with asparagine.
Molecular consequence: missense variant.
Genome position (GRCh38, 1-based): chr16:88,436,210, G>A. VCF-style: chr16-88436210-G-A. GRCh37 (hg19) VCF-style: chr16-88502618-G-A.
Other names: NM_001127464.1:c.8656G>A; short protein forms D2914N.
Identifiers: ClinVar variation 3232868 (VCV003232868.4), dbSNP rs768452919, ClinGen allele CA286384566.
Genomic context (GRCh38, chr16:88,436,210, plus strand): 5'-AGCTTTGAGGAGGGCGGTGACCCCACGCTGGGCCCAGCCCGCCTGCCCACGGACCTCAGC[G>A]ACTCCAGCTCCCTCTGCCTCTGCCATGAGGACCCGTGGGAGGACGAGGATCCCGCAGGTC-3'
Protein context (NP_001354553.1, residues 2904-2924): GPARLPTDLS[Asp2914Asn]SSSLCLCHED

ClinVar aggregate classification (germline): Uncertain significance. Review status: criteria provided, multiple submitters, no conflicts (2 of 4 stars). 4 submissions from 4 submitters: Uncertain significance (4). Last evaluated 2025-09-22.

Conditions:
Cardiovascular phenotype. Identifiers: MedGen CN230736.

Allele frequency attached by ClinVar (database versions not stated): gnomAD exomes 0.00001.
gnomAD v4.1: 22 of 1,548,376 alleles (0.0014%); highest among the groups gnomAD compares: South Asian, 0.0036%; no homozygotes.

Submissions (4):

Labcorp Genetics (formerly Invitae), Labcorp
Classification: Uncertain significance. Last evaluated: 2025-09-22. Review status: criteria provided, single submitter. Criteria: Invitae Variant Classification Sherloc (09022015). Collection method: clinical testing. Allele origin: germline.
Comment: This sequence change replaces aspartic acid, which is acidic and polar, with asparagine, which is neutral and polar, at codon 2886 of the ZNF469 protein (p.Asp2886Asn). This variant is present in population databases (rs768452919, gnomAD 0.006%). This variant has not been reported in the literature in individuals affected with ZNF469-related conditions. ClinVar contains an entry for this variant (Variation ID: 3232868). An algorithm developed to predict the effect of missense changes on protein structure and function (PolyPhen-2) suggests that this variant is likely to be disruptive. In summary, the available evidence is currently insufficient to determine the role of this variant in disease. Therefore, it has been classified as a Variant of Uncertain Significance.

GeneDx
Classification: Uncertain significance. Last evaluated: 2024-05-09. Review status: criteria provided, single submitter. Criteria: GeneDx Variant Classification Process June 2021. Collection method: clinical testing. Allele origin: germline. Affected: yes.
Comment: Has not been previously published as pathogenic or benign to our knowledge; Not observed at significant frequency in large population cohorts (gnomAD); In silico analysis supports that this missense variant has a deleterious effect on protein structure/function

Blueprint Genetics
Classification: Uncertain significance. Last evaluated: 2024-04-05. Review status: criteria provided, single submitter. Criteria: ACMG Guidelines, 2015. Collection method: clinical testing. Allele origin: germline.

Ambry Genetics
Classification: Uncertain significance for Cardiovascular phenotype. Last evaluated: 2023-12-29. Review status: criteria provided, single submitter. Criteria: Ambry Variant Classification Scheme 2023. Collection method: clinical testing. Allele origin: germline.
Comment: The p.D2886N variant (also known as c.8656G>A), located in coding exon 2 of the ZNF469 gene, results from a G to A substitution at nucleotide position 8656. The aspartic acid at codon 2886 is replaced by asparagine, an amino acid with highly similar properties. This amino acid position is conserved. In addition, this alteration is predicted to be tolerated by in silico analysis. Since supporting evidence is limited at this time, the clinical significance of this alteration remains unclear.